The following is an entry in ClinVar:

NM_014324.6(AMACR):c.941C>G (p.Ser314Trp)

Genes: C1QTNF3-AMACR (C1QTNF3-AMACR readthrough (NMD candidate); minus strand), AMACR (alpha-methylacyl-CoA racemase; minus strand). Cytogenetic location: 5p13.2.
Variant type: single nucleotide variant.
Coding change: c.941C>G on transcript NM_014324.6 (MANE Select); coding-DNA position 941, C replaced by G.
Protein change: p.Ser314Trp; replaces serine 314 with tryptophan.
Molecular consequence: missense variant. On other transcripts: non-coding transcript variant (1), 3 prime UTR variant (1).
Genome position (GRCh38, 1-based): chr5:33,989,301, G>C on the plus strand (C>G on the coding strand, the complement: AMACR is on the minus strand). VCF-style: chr5-33989301-G-C. GRCh37 (hg19) VCF-style: chr5-33989406-G-C.
Other names: c.941C>G, p.Ser314Trp (NM_001167595.2); c.*183C>G (NM_203382.3); short protein forms S314W.
Identifiers: ClinVar variation 1968281 (VCV001968281.3), dbSNP rs747129541, ClinGen allele CA359398972.

ClinVar aggregate classification (germline): Uncertain significance (1 of 4 stars; one submission).

Conditions:
Alpha-methylacyl-CoA racemase deficiency (AMACRD). Also called: AMACR deficiency. Identifiers: Orphanet 79095, MedGen C3280428, MONDO:0013681, OMIM 614307. Disease mechanism: loss of function.

gnomAD v4.1: 2 of 1,614,096 alleles (0.00012%); highest among the groups gnomAD compares: Non-Finnish European, 0.00017%; no homozygotes.

Submission:

Labcorp Genetics (formerly Invitae), Labcorp
Classification: Uncertain significance for Alpha-methylacyl-CoA racemase deficiency. Last evaluated: 2022-03-18. Review status: criteria provided, single submitter. Criteria: Invitae Variant Classification Sherloc (09022015). Collection method: clinical testing. Allele origin: germline.
Comment: In summary, the available evidence is currently insufficient to determine the role of this variant in disease. Therefore, it has been classified as a Variant of Uncertain Significance. Algorithms developed to predict the effect of missense changes on protein structure and function (SIFT, PolyPhen-2, Align-GVGD) all suggest that this variant is likely to be disruptive. This variant has not been reported in the literature in individuals affected with AMACR-related conditions. This variant is not present in population databases (gnomAD no frequency). This sequence change replaces serine, which is neutral and polar, with tryptophan, which is neutral and slightly polar, at codon 314 of the AMACR protein (p.Ser314Trp).